The following is an entry in ClinVar:

NM_033380.3(COL4A5):c.1535G>A (p.Gly512Glu)

Gene: COL4A5 (collagen type IV alpha 5 chain; plus strand). Cytogenetic location: Xq22.3.
Variant type: single nucleotide variant.
Coding change: c.1535G>A on transcript NM_033380.3 (MANE Select); coding-DNA position 1535, G replaced by A.
Protein change: p.Gly512Glu; replaces glycine 512 with glutamic acid.
Molecular consequence: missense variant.
Genome position (GRCh38, 1-based): chrX:108,597,016, G>A. VCF-style: chrX-108597016-G-A. GRCh37 (hg19) VCF-style: chrX-107840246-G-A.
Other names: c.1535G>A, p.Gly512Glu (NM_000495.5); short protein forms G512E.
Identifiers: ClinVar variation 4802180 (VCV004802180.1).

ClinVar aggregate classification (germline): Uncertain significance (1 of 4 stars; one submission).

Submission:

Labcorp Genetics (formerly Invitae), Labcorp
Classification: Uncertain significance. Last evaluated: 2025-10-07. Review status: criteria provided, single submitter. Criteria: Invitae Variant Classification Sherloc (09022015). Collection method: clinical testing. Allele origin: germline.
Comment: This sequence change replaces glycine, which is neutral and non-polar, with glutamic acid, which is acidic and polar, at codon 512 of the COL4A5 protein (p.Gly512Glu). The frequency data for this variant in the population databases is considered unreliable, as metrics indicate poor data quality at this position in the gnomAD database. This missense change has been observed in individual(s) with hematuria (internal data). Invitae Evidence Modeling of protein sequence and biophysical properties (such as structural, functional, and spatial information, amino acid conservation, physicochemical variation, residue mobility, and thermodynamic stability) indicates that this missense variant is expected to disrupt COL4A5 protein function with a positive predictive value of 95%. This variant disrupts the triple helix domain of COL4A5. Glycine residues within the Gly-Xaa-Yaa repeats of the triple helix domain are required for the structure and stability of fibrillar collagens (PMID: 7695699, 8218237, 19344236). In COL4A5, missense variants at these glycine residues are significantly enriched in individuals with disease (PMID: 23720012, 27627812) compared to the general population (ExAC). In summary, the available evidence is currently insufficient to determine the role of this variant in disease. Therefore, it has been classified as a Variant of Uncertain Significance.

Literature cited by the submitters: PubMed 7695699; PubMed 8218237; PubMed 19344236; PubMed 23720012; PubMed 27627812.